The following is an entry in ClinVar:

ClinVar aggregate classification (germline): Uncertain significance. Review status: criteria provided, multiple submitters, no conflicts (2 of 4 stars). 2 submissions from 2 submitters: Uncertain significance (2). Last evaluated 2025-10-02.

Conditions:
Hereditary cancer-predisposing syndrome. Also called: Tumor predisposition; Hereditary neoplastic syndrome; Neoplastic Syndromes, Hereditary; Hereditary Cancer Syndrome. Identifiers: Orphanet 140162, MedGen C0027672, MeSH D009386, MONDO:0015356.
Neuroblastoma, susceptibility to, 3. Also called: ALK-Related Neuroblastic Tumor Susceptibility. Identifiers: Orphanet 635, MedGen C2751681, MONDO:0013083, OMIM 613014.

Submissions (2):

Labcorp Genetics (formerly Invitae), Labcorp
Classification: Uncertain significance for Neuroblastoma, susceptibility to, 3. Last evaluated: 2025-10-02. Review status: criteria provided, single submitter. Criteria: Invitae Variant Classification Sherloc (09022015). Collection method: clinical testing. Allele origin: germline.
Comment: This sequence change replaces leucine, which is neutral and non-polar, with phenylalanine, which is neutral and non-polar, at codon 889 of the ALK protein (p.Leu889Phe). This variant is not present in population databases (gnomAD no frequency). This variant has not been reported in the literature in individuals affected with ALK-related conditions. ClinVar contains an entry for this variant (Variation ID: 935609). An algorithm developed to predict the effect of missense changes on protein structure and function (PolyPhen-2) suggests that this variant is likely to be tolerated. In summary, the available evidence is currently insufficient to determine the role of this variant in disease. Therefore, it has been classified as a Variant of Uncertain Significance.

Ambry Genetics
Classification: Uncertain significance for Hereditary cancer-predisposing syndrome. Last evaluated: 2022-01-29. Review status: criteria provided, single submitter. Criteria: Ambry Variant Classification Scheme 2023. Collection method: clinical testing. Allele origin: germline.
Comment: The p.L889F variant (also known as c.2667G>C), located in coding exon 16 of the ALK gene, results from a G to C substitution at nucleotide position 2667. The leucine at codon 889 is replaced by phenylalanine, an amino acid with highly similar properties. This amino acid position is conserved. In addition, this alteration is predicted to be tolerated by in silico analysis. Since supporting evidence is limited at this time, the clinical significance of this alteration remains unclear.

NM_004304.5(ALK):c.2667G>C (p.Leu889Phe)

Gene: ALK (ALK receptor tyrosine kinase; minus strand). Cytogenetic location: 2p23.2.
Variant type: single nucleotide variant.
Coding change: c.2667G>C on transcript NM_004304.5 (MANE Select); coding-DNA position 2667, G replaced by C.
Protein change: p.Leu889Phe; replaces leucine 889 with phenylalanine.
Molecular consequence: missense variant.
Genome position (GRCh38, 1-based): chr2:29,229,032, C>G on the plus strand (G>C on the coding strand, the complement: ALK is on the minus strand). VCF-style: chr2-29229032-C-G. GRCh37 (hg19) VCF-style: chr2-29451898-C-G.
Other names: short protein forms L889F.
Identifiers: ClinVar variation 935609 (VCV000935609.12), dbSNP rs1664104202, ClinGen allele CA346470007.